The following is an entry in ClinVar:

ClinVar aggregate classification (germline): Uncertain significance. Review status: criteria provided, multiple submitters, no conflicts (2 of 4 stars). 2 submissions from 2 submitters: Uncertain significance (2). Last evaluated 2024-08-10.

Conditions:
Myopathy, proximal, and ophthalmoplegia (CMYO6). Also called: MYOPATHY WITH CONGENITAL JOINT CONTRACTURES, OPHTHALMOPLEGIA, AND RIMMED VACUOLES; INCLUSION BODY MYOPATHY 3, AUTOSOMAL DOMINANT; CONGENITAL MYOPATHY 6 WITH OPHTHALMOPLEGIA. Identifiers: Orphanet 363677, Orphanet 79091, MedGen C1854106, MONDO:0011577, OMIM 605637.
Inborn genetic diseases. Identifiers: MedGen C0950123, MeSH D030342.

Allele frequency attached by ClinVar (database versions not stated): TOPMed below 0.00001; gnomAD 0.00001.

Submissions (2):

Ambry Genetics
Classification: Uncertain significance for Inborn genetic diseases. Last evaluated: 2024-08-10. Review status: criteria provided, single submitter. Criteria: Ambry Variant Classification Scheme 2023. Collection method: clinical testing. Allele origin: germline.

Labcorp Genetics (formerly Invitae), Labcorp
Classification: Uncertain significance for Myopathy, proximal, and ophthalmoplegia. Last evaluated: 2023-04-07. Review status: criteria provided, single submitter. Criteria: Invitae Variant Classification Sherloc (09022015). Collection method: clinical testing. Allele origin: germline.
Comment: Advanced modeling of protein sequence and biophysical properties (such as structural, functional, and spatial information, amino acid conservation, physicochemical variation, residue mobility, and thermodynamic stability) performed at Invitae indicates that this missense variant is not expected to disrupt MYH2 protein function. ClinVar contains an entry for this variant (Variation ID: 534339). This variant has not been reported in the literature in individuals affected with MYH2-related conditions. This variant is not present in population databases (gnomAD no frequency). This sequence change replaces histidine, which is basic and polar, with tyrosine, which is neutral and polar, at codon 1191 of the MYH2 protein (p.His1191Tyr). In summary, the available evidence is currently insufficient to determine the role of this variant in disease. Therefore, it has been classified as a Variant of Uncertain Significance.

NM_017534.6(MYH2):c.3571C>T (p.His1191Tyr)

Genes: MYH2 (myosin heavy chain 2; minus strand), MYHAS (myosin heavy chain gene cluster antisense RNA; plus strand). Cytogenetic location: 17p13.1.
Variant type: single nucleotide variant.
Coding change: c.3571C>T on transcript NM_017534.6 (MANE Select); coding-DNA position 3571, C replaced by T.
Protein change: p.His1191Tyr; replaces histidine 1191 with tyrosine.
Molecular consequence: missense variant.
Genome position (GRCh38, 1-based): chr17:10,528,863, G>A on the plus strand (C>T on the coding strand, the complement: MYH2 is on the minus strand). VCF-style: chr17-10528863-G-A. GRCh37 (hg19) VCF-style: chr17-10432180-G-A.
Other names: c.3571C>T, p.His1191Tyr (NM_001100112.2); short protein forms H1191Y.
Identifiers: ClinVar variation 534339 (VCV000534339.7), dbSNP rs938797010, ClinGen allele CA287738631.